The following is an entry in ClinVar:

ClinVar aggregate classification (germline): Uncertain significance. Review status: criteria provided, multiple submitters, no conflicts (2 of 4 stars). 2 submissions from 2 submitters: Uncertain significance (2). Last evaluated 2025-12-22.

Conditions:
Hereditary pancreatitis (PCTT). Also called: PRSS1-Related Hereditary Pancreatitis; Hereditary chronic pancreatitis. Identifiers: Orphanet 676, MedGen C0238339, MONDO:0008185, OMIM 167800.

Allele frequency attached by ClinVar (database versions not stated): ExAC 0.00002; gnomAD 0.00002 and 0.00003.
gnomAD v4.1: 10 of 1,613,870 alleles (0.00062%); highest among the groups gnomAD compares: East Asian, 0.016%; no homozygotes.

Submissions (2):

Labcorp Genetics (formerly Invitae), Labcorp
Classification: Uncertain significance for Hereditary pancreatitis. Last evaluated: 2025-12-22. Review status: criteria provided, single submitter. Criteria: Invitae Variant Classification Sherloc (09022015). Collection method: clinical testing. Allele origin: germline.
Comment: This sequence change replaces alanine, which is neutral and non-polar, with glycine, which is neutral and non-polar, at codon 152 of the PRSS1 protein (p.Ala152Gly). The frequency data for this variant in the population databases is considered unreliable, as metrics indicate poor data quality at this position in the gnomAD database. This variant has not been reported in the literature in individuals affected with PRSS1-related conditions. ClinVar contains an entry for this variant (Variation ID: 649159). An algorithm developed to predict the effect of missense changes on protein structure and function (PolyPhen-2) suggests that this variant is likely to be tolerated. In summary, the available evidence is currently insufficient to determine the role of this variant in disease. Therefore, it has been classified as a Variant of Uncertain Significance.

Ambry Genetics
Classification: Uncertain significance for Hereditary pancreatitis. Last evaluated: 2025-06-15. Review status: criteria provided, single submitter. Criteria: Ambry Variant Classification Scheme 2023. Collection method: clinical testing. Allele origin: germline.
Comment: The p.A152G variant (also known as c.455C>G), located in coding exon 4 of the PRSS1 gene, results from a C to G substitution at nucleotide position 455. This variant impacts the first base pair of coding exon 4. The alanine at codon 152 is replaced by glycine, an amino acid with similar properties. This amino acid position is poorly conserved in available vertebrate species. In addition, this alteration is predicted to be tolerated by in silico analysis. Since supporting evidence is limited at this time, the clinical significance of this alteration remains unclear.

NM_002769.5(PRSS1):c.455C>G (p.Ala152Gly)

Genes: PRSS1 (serine protease 1; plus strand), TRB (T cell receptor beta locus; plus strand). Cytogenetic location: 7q34.
Variant type: single nucleotide variant.
Coding change: c.455C>G on transcript NM_002769.5 (MANE Select); coding-DNA position 455, C replaced by G.
Protein change: p.Ala152Gly; replaces alanine 152 with glycine.
Molecular consequence: missense variant.
Genome position (GRCh38, 1-based): chr7:142,752,431, C>G. VCF-style: chr7-142752431-C-G. GRCh37 (hg19) VCF-style: chr7-142460282-C-G.
Other names: short protein forms A152G.
Identifiers: ClinVar variation 649159 (VCV000649159.9), dbSNP rs770315312, ClinGen allele CA4530014.
Genomic context (GRCh38, chr7:142,752,431, plus strand): 5'-TCTCCTTCTCTGGCCTGACCCACATTTCTACTTCCTTTGATCTCTTCCTGATCCTCACAG[C>G]CGACTACCCAGACGAGCTGCAGTGCCTGGATGCTCCTGTGCTGAGCCAGGCTAAGTGTGA-3'
Protein context (NP_002760.1, residues 142-162): SGWGNTASSG[Ala152Gly]DYPDELQCLD